The following is an entry in ClinVar:

NM_004974.4(KCNA2):c.35C>T (p.Ala12Val)

Gene: KCNA2 (potassium voltage-gated channel subfamily A member 2; minus strand). Cytogenetic location: 1p13.3.
Variant type: single nucleotide variant.
Coding change: c.35C>T on transcript NM_004974.4 (MANE Select); coding-DNA position 35, C replaced by T.
Protein change: p.Ala12Val; replaces alanine 12 with valine.
Molecular consequence: missense variant.
Genome position (GRCh38, 1-based): chr1:110,604,748, G>A on the plus strand (C>T on the coding strand, the complement: KCNA2 is on the minus strand). VCF-style: chr1-110604748-G-A. GRCh37 (hg19) VCF-style: chr1-111147370-G-A.
Other names: c.35C>T, p.Ala12Val (NM_001204269.2); short protein forms A12V.
Identifiers: ClinVar variation 663661 (VCV000663661.13), dbSNP rs372822052, ClinGen allele CA1000760.
Genomic context (GRCh38, chr1:110,604,748, plus strand): 5'-CAGCACTCGTGGTCTGCCTCTGGGTCATAGGTGTCCTGTGGGTGCCCAGGGAGGGCAGCA[G>A]CCTCGTCTGCTGGGTCTCCGGTGGCCACTGTCATAATTGGGACTGAGAGAAGCACCTCAC-3'
Protein context (NP_004965.1, residues 2-22): TVATGDPADE[Ala12Val]AALPGHPQDT

ClinVar aggregate classification (germline): Likely benign. Review status: criteria provided, multiple submitters, no conflicts (2 of 4 stars). 3 submissions from 3 submitters: Likely benign (3). Last evaluated 2025-11-27.

Conditions:
Developmental and epileptic encephalopathy, 32 (DEE32). Also called: Epileptic encephalopathy, early infantile, 32. Identifiers: Orphanet 442835, MedGen C4225350, MONDO:0014607, OMIM 616366.
Inborn genetic diseases. Identifiers: MedGen C0950123, MeSH D030342.

Allele frequency attached by ClinVar (database versions not stated): gnomAD 0.00005 and 0.00006; gnomAD exomes 0.00006 and 0.00008; TOPMed 0.00006; ExAC 0.00007; ESP Exome Variant Server 0.00008.
gnomAD v4.1: 116 of 1,613,810 alleles (0.0072%); highest among the groups gnomAD compares: Non-Finnish European, 0.0097%; no homozygotes.

Submissions (3):

Labcorp Genetics (formerly Invitae), Labcorp
Classification: Likely benign for Developmental and epileptic encephalopathy, 32. Last evaluated: 2025-11-27. Review status: criteria provided, single submitter. Criteria: Invitae Variant Classification Sherloc (09022015). Collection method: clinical testing. Allele origin: germline.

Ambry Genetics
Classification: Likely benign for Inborn genetic diseases. Last evaluated: 2021-08-04. Review status: criteria provided, single submitter. Criteria: Ambry Variant Classification Scheme 2023. Collection method: clinical testing. Allele origin: germline.

GeneDx
Classification: Likely benign. Last evaluated: 2021-05-25. Review status: criteria provided, single submitter. Criteria: GeneDx Variant Classification Process June 2021. Collection method: clinical testing. Allele origin: germline. Affected: yes.
Comment: This variant is associated with the following publications: (PMID: 15979945)